The following is an entry in ClinVar:

NM_144670.6(A2ML1):c.1591G>A (p.Asp531Asn)

Gene: A2ML1 (alpha-2-macroglobulin like 1; plus strand). Cytogenetic location: 12p13.31.
Variant type: single nucleotide variant.
Coding change: c.1591G>A on transcript NM_144670.6 (MANE Select); coding-DNA position 1591, G replaced by A.
Protein change: p.Asp531Asn; replaces aspartic acid 531 with asparagine.
Molecular consequence: missense variant.
Genome position (GRCh38, 1-based): chr12:8,846,130, G>A. VCF-style: chr12-8846130-G-A. GRCh37 (hg19) VCF-style: chr12-8998726-G-A.
Other names: c.118G>A, p.Asp40Asn (NM_001282424.3); short protein forms D531N, D40N.
Identifiers: ClinVar variation 1775926 (VCV001775926.2), dbSNP rs1943676438, ClinGen allele CA383827317.

ClinVar aggregate classification (germline): Uncertain significance (1 of 4 stars; one submission).

Allele frequency attached by ClinVar (database versions not stated): gnomAD exomes below 0.00001.
gnomAD v4.1: 1 of 1,614,152 alleles (0.000062%); highest among the groups gnomAD compares: African/African-American, 0.0013%; no homozygotes.

Submission:

Ambry Genetics
Classification: Uncertain significance. Last evaluated: 2021-07-22. Review status: criteria provided, single submitter. Criteria: Ambry Variant Classification Scheme 2023. Collection method: clinical testing. Allele origin: germline.
Comment: The p.D531N variant (also known as c.1591G>A), located in coding exon 14 of the A2ML1 gene, results from a G to A substitution at nucleotide position 1591. The aspartic acid at codon 531 is replaced by asparagine, an amino acid with highly similar properties. This amino acid position is conserved. In addition, this alteration is predicted to be tolerated by in silico analysis. Since supporting evidence is limited at this time, the clinical significance of this alteration remains unclear.